The following is an entry in ClinVar:

ClinVar aggregate classification (germline): Uncertain significance. Review status: criteria provided, multiple submitters, no conflicts (2 of 4 stars). 2 submissions from 2 submitters: Uncertain significance (2). Last evaluated 2024-10-02.

Allele frequency attached by ClinVar (database versions not stated): TOPMed 0.00001; ExAC 0.00004.

Submissions (2):

Labcorp Genetics (formerly Invitae), Labcorp
Classification: Uncertain significance. Last evaluated: 2024-10-02. Review status: criteria provided, single submitter. Criteria: Invitae Variant Classification Sherloc (09022015). Collection method: clinical testing. Allele origin: germline.
Comment: This sequence change replaces aspartic acid, which is acidic and polar, with valine, which is neutral and non-polar, at codon 140 of the SYNPO protein (p.Asp140Val). This variant is present in population databases (rs761117289, gnomAD 0.03%). This variant has not been reported in the literature in individuals affected with SYNPO-related conditions. An algorithm developed to predict the effect of missense changes on protein structure and function (PolyPhen-2) suggests that this variant is likely to be tolerated. In summary, the available evidence is currently insufficient to determine the role of this variant in disease. Therefore, it has been classified as a Variant of Uncertain Significance.

Ambry Genetics
Classification: Uncertain significance. Last evaluated: 2024-01-30. Review status: criteria provided, single submitter. Criteria: Ambry Variant Classification Scheme 2023. Collection method: clinical testing. Allele origin: germline.

NM_007286.6(SYNPO):c.419A>T (p.Asp140Val)

Gene: SYNPO (synaptopodin; plus strand). Cytogenetic location: 5q33.1.
Variant type: single nucleotide variant.
Coding change: c.419A>T on transcript NM_007286.6 (MANE Select); coding-DNA position 419, A replaced by T.
Protein change: p.Asp140Val; replaces aspartic acid 140 with valine.
Molecular consequence: missense variant.
Genome position (GRCh38, 1-based): chr5:150,648,694, A>T. VCF-style: chr5-150648694-A-T. GRCh37 (hg19) VCF-style: chr5-150028256-A-T.
Other names: c.419A>T, p.Asp140Val (NM_001109974.3); c.1151A>T, p.Asp384Val (NM_001166208.2, NM_001166209.2); short protein forms D140V, D384V.
Identifiers: ClinVar variation 3172846 (VCV003172846.3), dbSNP rs761117289, ClinGen allele CA3513225.